The following is an entry in ClinVar:

ClinVar aggregate classification (germline): Conflicting classifications of pathogenicity. Review status: criteria provided, conflicting classifications (1 of 4 stars). 4 submissions from 4 submitters: Uncertain significance (3); Likely benign (1). Last evaluated 2025-11-03.

Conditions:
Cardiovascular phenotype. Identifiers: MedGen CN230736.
Cardiomyopathy (CMYO). Also called: Cardiomyopathies. Identifiers: Orphanet 167848, MedGen C0878544, MONDO:0004994, HP:0001638. Inheritance: Various modes of inheritance.
Arrhythmogenic cardiomyopathy with wooly hair and keratoderma. Also called: Dilated cardiomyopathy with woolly hair and keratoderma; Carvajal syndrome; Arrhythmogenic cardiomyopathy with woolly hair and keratoderma; PALMOPLANTAR KERATODERMA WITH LEFT VENTRICULAR CARDIOMYOPATHY AND WOOLLY HAIR. Identifiers: Orphanet 65282, MedGen C1854063, MONDO:0011581, OMIM 605676.
Arrhythmogenic right ventricular dysplasia 8 (ARVD8). Also called: Arrhythmogenic Right Ventricular Dysplasia/Cardiomyopathy 8; ARRHYTHMOGENIC RIGHT VENTRICULAR DYSPLASIA, FAMILIAL, 8; ARRHYTHMOGENIC RIGHT VENTRICULAR CARDIOMYOPATHY 8. Identifiers: MedGen C1843896, MONDO:0011831, OMIM 607450.

Allele frequency attached by ClinVar (database versions not stated): gnomAD exomes below 0.00001; TOPMed below 0.00001; gnomAD 0.00001.
gnomAD v4.1: 3 of 1,614,008 alleles (0.00019%); highest among the groups gnomAD compares: African/African-American, 0.0013%; no homozygotes.

Submissions (4):

Color Diagnostics, LLC DBA Color Health
Classification: Uncertain significance for Cardiomyopathy. Last evaluated: 2025-11-03. Review status: criteria provided, single submitter. Criteria: ACMG Guidelines, 2015. Collection method: clinical testing. Allele origin: germline.
Comment: This missense variant replaces isoleucine with threonine at codon 2637 of the DSP protein. Computational prediction suggests that this variant may not impact protein structure and function. To our knowledge, functional studies have not been reported for this variant. This variant has not been reported in individuals affected with DSP-related disorders in the literature. This variant has been identified in 1/31382 chromosomes in the general population by the Genome Aggregation Database (gnomAD). The available evidence is insufficient to determine the role of this variant in disease conclusively. Therefore, this variant is classified as a Variant of Uncertain Significance.

Labcorp Genetics (formerly Invitae), Labcorp
Classification: Likely benign for Arrhythmogenic cardiomyopathy with wooly hair and keratoderma; Arrhythmogenic right ventricular dysplasia 8. Last evaluated: 2025-10-26. Review status: criteria provided, single submitter. Criteria: Invitae Variant Classification Sherloc (09022015). Collection method: clinical testing. Allele origin: germline.

Ambry Genetics
Classification: Uncertain significance for Cardiovascular phenotype. Last evaluated: 2025-04-23. Review status: criteria provided, single submitter. Criteria: Ambry Variant Classification Scheme 2023. Collection method: clinical testing. Allele origin: germline.
Comment: The p.I2637T variant (also known as c.7910T>C), located in coding exon 24 of the DSP gene, results from a T to C substitution at nucleotide position 7910. The isoleucine at codon 2637 is replaced by threonine, an amino acid with similar properties. This amino acid position is conserved. In addition, the in silico prediction for this alteration is inconclusive. Based on the available evidence, the clinical significance of this variant remains unclear.

All of Us Research Program, National Institutes of Health
Classification: Uncertain significance for Arrhythmogenic cardiomyopathy with wooly hair and keratoderma. Last evaluated: 2023-05-16. Review status: criteria provided, single submitter. Criteria: ACMG Guidelines, 2015. Collection method: clinical testing. Allele origin: germline. Inheritance: Autosomal dominant inheritance. Observed: 1 variant allele, 1 heterozygote.
Comment: This missense variant replaces isoleucine with threonine at codon 2637 of the DSP protein. Computational prediction suggests that this variant may not impact protein structure and function (internally defined REVEL score threshold <= 0.5, PMID: 27666373). To our knowledge, functional studies have not been reported for this variant. This variant has not been reported in individuals affected with DSP-related disorders in the literature. This variant has been identified in 1/31382 chromosomes in the general population by the Genome Aggregation Database (gnomAD). The available evidence is insufficient to determine the role of this variant in disease conclusively. Therefore, this variant is classified as a Variant of Uncertain Significance.

This study involves interpretation of variants in research participants for the purpose of population health screening. Participant phenotype was not available at the time of variant classification. Additional details can be found in publication PMID: 35346344, PMCID: PMC8962531

NM_004415.4(DSP):c.7910T>C (p.Ile2637Thr)

Gene: DSP (desmoplakin; plus strand). Cytogenetic location: 6p24.3.
Variant type: single nucleotide variant.
Coding change: c.7910T>C on transcript NM_004415.4 (MANE Select); coding-DNA position 7910, T replaced by C.
Protein change: p.Ile2637Thr; replaces isoleucine 2637 with threonine.
Molecular consequence: missense variant.
Genome position (GRCh38, 1-based): chr6:7,585,172, T>C. VCF-style: chr6-7585172-T-C. GRCh37 (hg19) VCF-style: chr6-7585405-T-C.
Other names: c.7910T>C (NM_004415.2); c.6113T>C, p.Ile2038Thr (NM_001008844.3); c.6581T>C, p.Ile2194Thr (NM_001319034.2); short protein forms I2038T, I2194T, I2637T.
Identifiers: ClinVar variation 1002980 (VCV001002980.16), dbSNP rs1229128923, ClinGen allele CA362694045.